The following is an entry in ClinVar:

NM_001290060.2(SEMA3B):c.63G>A (p.Leu21=)

Gene: SEMA3B (semaphorin 3B; plus strand). Cytogenetic location: 3p21.31.
Variant type: single nucleotide variant.
Coding change: c.63G>A on transcript NM_001290060.2 (MANE Select); coding-DNA position 63, G replaced by A.
Protein change: p.Leu21=; no amino-acid change (leucine 21 retained).
Molecular consequence: synonymous variant.
Genome position (GRCh38, 1-based): chr3:50,269,303, G>A. VCF-style: chr3-50269303-G-A. GRCh37 (hg19) VCF-style: chr3-50306735-G-A.
Other names: c.63G>A, p.Leu21= (NM_001005914.3, NM_001290061.1, NM_004636.4).
Identifiers: ClinVar variation 3045424 (VCV003045424.2), dbSNP rs1354762252, ClinGen allele CA542853208.
Genomic context (GRCh38, chr3:50,269,303, plus strand): 5'-GGGGCGGGCCGGGGCTGCCGCCGTGATCCCGGGCCTGGCCCTGCTCTGGGCAGTGGGGCT[G>A]GGGAGTGCCGCCCCCAGCCCCCCACGCCTTCGGCTCTCCTTCCAAGGTAGGTGCACCTGG-3'
Protein context (NP_001276989.1, residues 11-31): PGLALLWAVG[Leu21=]GSAAPSPPRL

ClinVar aggregate classification (germline): Likely benign (0 of 4 stars; one submission).

Conditions:
SEMA3B-related disorder. Also called: SEMA3B-related condition.

Allele frequency attached by ClinVar (database versions not stated): TOPMed 0.00001.

Submission:

PreventionGenetics, part of Exact Sciences
Classification: Likely benign for SEMA3B-related condition. Last evaluated: 2023-01-30. Review status: no assertion criteria provided. Collection method: clinical testing. Allele origin: germline.
Comment: This variant is classified as likely benign based on ACMG/AMP sequence variant interpretation guidelines (Richards et al. 2015 PMID: 25741868, with internal and published modifications).